The following is an entry in ClinVar:

ClinVar aggregate classification (germline): Likely benign. Review status: criteria provided, multiple submitters, no conflicts (2 of 4 stars). 4 submissions from 4 submitters: Likely benign (3). 1 of the submissions does not count toward it. Last evaluated 2025-02-09.

Conditions:
Hereditary cancer-predisposing syndrome. Also called: Tumor predisposition; Hereditary Cancer Syndrome; Neoplastic Syndromes, Hereditary; Hereditary neoplastic syndrome. Identifiers: Orphanet 140162, MedGen C0027672, MeSH D009386, MONDO:0015356.
Malignant tumor of breast. Also called: Malignant breast neoplasm; Cancer breast. Identifiers: MedGen C0006142, MONDO:0007254. Disease mechanism: loss of function.
Hereditary breast ovarian cancer syndrome. Also called: Hereditary breast and ovarian cancer; Hereditary breast and ovarian cancer syndrome (HBOC); Hereditary breast and ovarian cancer syndrome; BRCA1- and BRCA2-Associated Hereditary Breast and Ovarian Cancer; Hereditary breast and/or ovarian cancer syndrome; Breast and ovarian cancer. Identifiers: Orphanet 145, MedGen C0677776, MeSH D061325, MONDO:0003582. Disease mechanism: loss of function.

gnomAD v4.1: 2 of 1,613,984 alleles (0.00012%); highest among the groups gnomAD compares: Middle Eastern, 0.016%; no homozygotes.

Submissions (4):

Labcorp Genetics (formerly Invitae), Labcorp
Classification: Likely benign for Hereditary breast ovarian cancer syndrome. Last evaluated: 2025-02-09. Review status: criteria provided, single submitter. Criteria: Invitae Variant Classification Sherloc (09022015). Collection method: clinical testing. Allele origin: germline.

Blueprint Genetics
Classification: Likely benign. Last evaluated: 2023-03-03. Review status: criteria provided, single submitter. Criteria: ACMG Guidelines, 2015. Collection method: clinical testing. Allele origin: germline.

Color Diagnostics, LLC DBA Color Health
Classification: Likely benign for Hereditary cancer-predisposing syndrome. Last evaluated: 2016-11-17. Review status: criteria provided, single submitter. Criteria: ACMG Guidelines, 2015. Collection method: clinical testing. Allele origin: germline.

Department of Pathology and Laboratory Medicine, Sinai Health System
Classification: Likely benign for Malignant tumor of breast. Review status: no assertion criteria provided. Collection method: clinical testing. Allele origin: unknown. Affected: yes. Study: The Canadian Open Genetics Repository (COGR). Not counted in ClinVar's aggregate classification.
Comment: The BRCA2 p.Leu1137= variant was not identified in the literature nor was it identified in the dbSNP or LOVD 3.0 databases. The variant was identified in ClinVar (classified as likely benign by Color), and UMD-LSDB (1 entry).The variant was not identified in the following control databases: the Exome Aggregation Consortium (August 8th 2016), or the Genome Aggregation Database (Feb 27, 2017). The p.Leu1137= variant is not expected to have clinical significance because it does not result in a change of amino acid and is not located in a known consensus splice site. The nucleotide is not highly conserved and a T>C substitution is observed in several mammalian species. In addition, the variant occurs outside of the splicing consensus sequence and in silico or computational prediction software programs (SpliceSiteFinder, MaxEntScan, NNSPLICE, GeneSplicer) do not predict a difference in splicing. In summary, based on the above information the clinical significance of this variant cannot be determined with certainty at this time although we would lean towards a more benign role for this variant. This variant is classified as likely benign.

NM_000059.4(BRCA2):c.3409T>C (p.Leu1137=)

Gene: BRCA2 (BRCA2 DNA repair associated; plus strand). Cytogenetic location: 13q13.1.
Variant type: single nucleotide variant.
Coding change: c.3409T>C on transcript NM_000059.4 (MANE Select); coding-DNA position 3409, T replaced by C.
Protein change: p.Leu1137=; no amino-acid change (leucine 1137 retained).
Molecular consequence: synonymous variant.
Genome position (GRCh38, 1-based): chr13:32,337,764, T>C. VCF-style: chr13-32337764-T-C. GRCh37 (hg19) VCF-style: chr13-32911901-T-C.
Identifiers: ClinVar variation 491240 (VCV000491240.7), dbSNP rs1054724641, ClinGen allele CA483437409.